The following is an entry in ClinVar:

ClinVar aggregate classification (germline): Uncertain significance. Review status: criteria provided, multiple submitters, no conflicts (2 of 4 stars). 2 submissions from 2 submitters: Uncertain significance (2). Last evaluated 2025-12-02.

Conditions:
Intellectual disability, autosomal dominant 14 (CSS2). Also called: COFFIN-SIRIS SYNDROME 2. Identifiers: Orphanet 1465, MedGen C3553247, MONDO:0013819, OMIM 614607.

Submissions (2):

MVZ Medizinische Genetik Mainz
Classification: Uncertain significance for Intellectual disability, autosomal dominant 14. Last evaluated: 2025-12-02. Review status: criteria provided, single submitter. Criteria: UK Practice Guidelines For Variant Classification V4 01 2020. Collection method: clinical testing. Allele origin: germline. Inheritance: Autosomal dominant inheritance. Affected: yes. Observed: 1 variant allele.
Comment: ACMG Criteria: PM1,PM2_SUP,PP2

Blueprint Genetics
Classification: Uncertain significance. Last evaluated: 2020-12-14. Review status: criteria provided, single submitter. Criteria: ACMG Guidelines, 2015. Collection method: clinical testing. Allele origin: germline.

NM_006015.6(ARID1A):c.3248G>A (p.Gly1083Asp)

Gene: ARID1A (AT-rich interaction domain 1A; plus strand). Cytogenetic location: 1p36.11.
Variant type: single nucleotide variant.
Coding change: c.3248G>A on transcript NM_006015.6 (MANE Select); coding-DNA position 3248, G replaced by A.
Protein change: p.Gly1083Asp; replaces glycine 1083 with aspartic acid.
Molecular consequence: missense variant.
Genome position (GRCh38, 1-based): chr1:26,771,168, G>A. VCF-style: chr1-26771168-G-A. GRCh37 (hg19) VCF-style: chr1-27097659-G-A.
Other names: c.3248G>A, p.Gly1083Asp (NM_139135.4); short protein forms G1083D.
Identifiers: ClinVar variation 4540421 (VCV004540421.2).